The following is an entry in ClinVar:

NM_001082486.2(ACD):c.644C>G (p.Thr215Arg)

Gene: ACD (ACD shelterin complex subunit and telomerase recruitment factor; minus strand). Cytogenetic location: 16q22.1.
Variant type: single nucleotide variant.
Coding change: c.644C>G on transcript NM_001082486.2 (MANE Select); coding-DNA position 644, C replaced by G.
Protein change: p.Thr215Arg; replaces threonine 215 with arginine.
Molecular consequence: missense variant.
Genome position (GRCh38, 1-based): chr16:67,658,929, G>C on the plus strand (C>G on the coding strand, the complement: ACD is on the minus strand). VCF-style: chr16-67658929-G-C. GRCh37 (hg19) VCF-style: chr16-67692832-G-C.
Other names: c.644C>G, p.Thr215Arg (NM_001410884.1); c.635C>G, p.Thr212Arg (NM_022914.3); short protein forms T215R, T212R.
Identifiers: ClinVar variation 1765527 (VCV001765527.2), dbSNP rs72547495, ClinGen allele CA396353839.

ClinVar aggregate classification (germline): Uncertain significance (1 of 4 stars; one submission).

Conditions:
Inborn genetic diseases. Identifiers: MedGen C0950123, MeSH D030342.

gnomAD v4.1: 1 of 1,613,516 alleles (0.000062%); highest among the groups gnomAD compares: Non-Finnish European, 0.000085%; no homozygotes.

Submission:

Ambry Genetics
Classification: Uncertain significance for Inborn genetic diseases. Last evaluated: 2022-01-29. Review status: criteria provided, single submitter. Criteria: Ambry Variant Classification Scheme 2023. Collection method: clinical testing. Allele origin: germline.
Comment: The p.T301R variant (also known as c.902C>G), located in coding exon 7 of the ACD gene, results from a C to G substitution at nucleotide position 902. The threonine at codon 301 is replaced by arginine, an amino acid with similar properties. This amino acid position is conserved. In addition, this alteration is predicted to be tolerated by in silico analysis. Since supporting evidence is limited at this time, the clinical significance of this alteration remains unclear.